The following is an entry in ClinVar:

NM_000548.5(TSC2):c.5121C>A (p.Asn1707Lys)

Gene: TSC2 (TSC complex subunit 2; plus strand). Cytogenetic location: 16p13.3.
Variant type: single nucleotide variant.
Coding change: c.5121C>A on transcript NM_000548.5 (MANE Select); coding-DNA position 5121, C replaced by A.
Protein change: p.Asn1707Lys; replaces asparagine 1707 with lysine.
Molecular consequence: missense variant. On other transcripts: non-coding transcript variant (5).
Genome position (GRCh38, 1-based): chr16:2,088,100, C>A. VCF-style: chr16-2088100-C-A. GRCh37 (hg19) VCF-style: chr16-2138101-C-A.
Other names: c.4920C>A, p.Asn1640Lys (NM_001077183.3); c.5052C>A, p.Asn1684Lys (NM_001114382.3); c.4812C>A, p.Asn1604Lys (NM_001318827.2); c.4776C>A, p.Asn1592Lys (NM_001318829.2); c.4389C>A, p.Asn1463Lys (NM_001318831.2); c.4953C>A, p.Asn1651Lys (NM_001318832.2); c.4923C>A, p.Asn1641Lys (NM_001363528.2); c.4989C>A, p.Asn1663Lys (NM_001370404.1); and 26 more; short protein forms N1106K, N1192K, N1193K, N1215K, N1216K, N1236K, N1440K, N1441K.
Identifiers: ClinVar variation 3232184 (VCV003232184.3), dbSNP rs2151621840, ClinGen allele CA394312381.
Genomic context (GRCh38, chr16:2,088,100, plus strand): 5'-CTCCCCAGACATGGAGGGCCTTGTGGACACCAGCGTGGCCAAGATCGTGTCTGACCGCAA[C>A]CTGCCCTTCGTGGCCCGCCAGATGGCCCTGCACGCAAATGTGAGTGGGGGTGGGTCCAGG-3'
Protein context (NP_000539.2, residues 1697-1717): TSVAKIVSDR[Asn1707Lys]LPFVARQMAL

ClinVar aggregate classification (germline): Uncertain significance. Review status: criteria provided, multiple submitters, no conflicts (2 of 4 stars). 2 submissions from 2 submitters: Uncertain significance (2). Last evaluated 2025-08-29.

Conditions:
Hereditary cancer-predisposing syndrome. Also called: Hereditary Cancer Syndrome; Tumor predisposition; Neoplastic Syndromes, Hereditary; Hereditary neoplastic syndrome. Identifiers: Orphanet 140162, MedGen C0027672, MeSH D009386, MONDO:0015356.
Tuberous sclerosis 2 (TSC2). Identifiers: Orphanet 805, MedGen C1860707, MONDO:0013199, OMIM 613254.

Submissions (2):

Labcorp Genetics (formerly Invitae), Labcorp
Classification: Uncertain significance for Tuberous sclerosis 2. Last evaluated: 2025-08-29. Review status: criteria provided, single submitter. Criteria: Invitae Variant Classification Sherloc (09022015). Collection method: clinical testing. Allele origin: germline.
Comment: This sequence change replaces asparagine, which is neutral and polar, with lysine, which is basic and polar, at codon 1707 of the TSC2 protein (p.Asn1707Lys). This variant is not present in population databases (gnomAD no frequency). This variant has not been reported in the literature in individuals affected with TSC2-related conditions. ClinVar contains an entry for this variant (Variation ID: 3232184). Invitae Evidence Modeling of protein sequence and biophysical properties (such as structural, functional, and spatial information, amino acid conservation, physicochemical variation, residue mobility, and thermodynamic stability) indicates that this missense variant is not expected to disrupt TSC2 protein function with a negative predictive value of 95%. In summary, the available evidence is currently insufficient to determine the role of this variant in disease. Therefore, it has been classified as a Variant of Uncertain Significance.

Ambry Genetics
Classification: Uncertain significance for Hereditary cancer-predisposing syndrome. Last evaluated: 2024-01-13. Review status: criteria provided, single submitter. Criteria: Ambry Variant Classification Scheme 2023. Collection method: clinical testing. Allele origin: germline.
Comment: The p.N1707K variant (also known as c.5121C>A), located in coding exon 39 of the TSC2 gene, results from a C to A substitution at nucleotide position 5121. The asparagine at codon 1707 is replaced by lysine, an amino acid with similar properties. This amino acid position is conserved. In addition, the in silico prediction for this alteration is inconclusive. Since supporting evidence is limited at this time, the clinical significance of this alteration remains unclear.